The following is an entry in ClinVar:

NM_001165963.4(SCN1A):c.4852+4A>C

Genes: SCN1A (sodium voltage-gated channel alpha subunit 1; minus strand), LOC102724058 (uncharacterized LOC102724058; plus strand). Cytogenetic location: 2q24.3.
Variant type: single nucleotide variant.
Coding change: c.4852+4A>C on transcript NM_001165963.4 (MANE Select); 4 bases into the intron after coding-DNA position 4852, A replaced by C.
Molecular consequence: intron variant.
Genome position (GRCh38, 1-based): chr2:165,994,142, T>G on the plus strand (A>C on the coding strand, the complement: SCN1A is on the minus strand). VCF-style: chr2-165994142-T-G. GRCh37 (hg19) VCF-style: chr2-166850652-T-G.
Other names: c.4819+4A>C (NM_001353949.2, NM_001353950.2, NM_001353951.2 and 2 more transcripts); c.4768+4A>C (NM_001353958.2, NM_001353957.2, NM_001165964.3); c.4852+4A>C (NM_001202435.3, NM_001353948.2); c.4816+4A>C (NM_001353955.2, NM_001353954.2); c.4765+4A>C (NM_001353960.2); c.2410+4A>C (NM_001353961.2).
Identifiers: ClinVar variation 4085175 (VCV004085175.8).

ClinVar aggregate classification (germline): Uncertain significance (1 of 4 stars; one submission).

gnomAD v4.1: 1 of 1,600,222 alleles (0.000062%); highest among the groups gnomAD compares: Non-Finnish European, 0.000085%; no homozygotes.

Submission:

CeGaT Center for Human Genetics Tuebingen
Classification: Uncertain significance. Last evaluated: 2025-06-01. Review status: criteria provided, single submitter. Criteria: CeGaT Center For Human Genetics Tuebingen Variant Classification Criteria Version 2. Collection method: clinical testing. Allele origin: germline. Affected: yes. Observed: 1 variant allele.
Comment: SCN1A: PM2, BP4